The following is an entry in ClinVar:

NM_201253.3(CRB1):c.1235G>T (p.Cys412Phe)

Gene: CRB1 (crumbs cell polarity complex component 1; plus strand). Cytogenetic location: 1q31.3.
Variant type: single nucleotide variant.
Coding change: c.1235G>T on transcript NM_201253.3 (MANE Select); coding-DNA position 1235, G replaced by T.
Protein change: p.Cys412Phe; replaces cysteine 412 with phenylalanine.
Molecular consequence: missense variant. On other transcripts: non-coding transcript variant (2).
Genome position (GRCh38, 1-based): chr1:197,421,063, G>T. VCF-style: chr1-197421063-G-T. GRCh37 (hg19) VCF-style: chr1-197390193-G-T.
Other names: c.899G>T, p.Cys300Phe (NM_001193640.2); c.1028G>T, p.Cys343Phe (NM_001257965.2); c.1235G>T, p.Cys412Phe (NM_001257966.2); short protein forms C300F, C343F, C412F.
Identifiers: ClinVar variation 1333629 (VCV001333629.1), dbSNP rs2125468972, ClinGen allele CA344029835.

ClinVar aggregate classification (germline): Uncertain significance (1 of 4 stars; one submission).

Conditions:
Retinitis pigmentosa 12 (RP12). Also called: RP WITH OR WITHOUT PPRPE; RP WITH OR WITHOUT PRESERVED PARAARTERIOLE RETINAL PIGMENT EPITHELIUM; RETINITIS PIGMENTOSA WITH OR WITHOUT PARAARTERIOLAR PRESERVATION OF RETINAL PIGMENT EPITHELIUM. Identifiers: Orphanet 791, MedGen C1838647, MONDO:0010818, OMIM 600105.

Submission:

3billion
Classification: Uncertain significance for Retinitis pigmentosa 12. Last evaluated: 2022-01-03. Review status: criteria provided, single submitter. Criteria: ACMG Guidelines, 2015. Collection method: clinical testing. Allele origin: germline. Affected: yes. Observed: 1 heterozygote.
Comment: The variant is not observed in the gnomAD v2.1.1 dataset (PM2_M). In silico tool predictions suggest damaging effect of the variant on gene or gene product (REVEL: 0.949, PP3_P). Therefore, this variant is classified as uncertain significance according to the recommendation of ACMG/AMP guideline.